The following is an entry in ClinVar:

NM_000488.4(SERPINC1):c.1240G>A (p.Ala414Thr)

Gene: SERPINC1 (serpin family C member 1; minus strand). Cytogenetic location: 1q25.1.
Variant type: single nucleotide variant.
Coding change: c.1240G>A on transcript NM_000488.4 (MANE Select); coding-DNA position 1240, G replaced by A.
Protein change: p.Ala414Thr; replaces alanine 414 with threonine.
Molecular consequence: missense variant.
Genome position (GRCh38, 1-based): chr1:173,904,044, C>T on the plus strand (G>A on the coding strand, the complement: SERPINC1 is on the minus strand). VCF-style: chr1-173904044-C-T. GRCh37 (hg19) VCF-style: chr1-173873182-C-T.
Other names: A382T; NM_000488.4(SERPINC1):c.1240G>A; c.1096G>A, p.Ala366Thr (NM_001365052.2); c.1363G>A, p.Ala455Thr (NM_001386302.1); c.1321G>A, p.Ala441Thr (NM_001386303.1); c.1219G>A, p.Ala407Thr (NM_001386304.1); c.1183G>A, p.Ala395Thr (NM_001386305.1); c.1024G>A, p.Ala342Thr (NM_001386306.1); and 1 more; short protein forms A414T, A366T, A342T, A395T, A407T, A441T, A455T.
Identifiers: ClinVar variation 18020 (VCV000018020.7), dbSNP rs121909557, ClinGen allele CA210768.

ClinVar aggregate classification (germline): Likely pathogenic. Review status: reviewed by expert panel (3 of 4 stars). 5 submissions from 5 submitters: Likely pathogenic (1). 4 of the submissions do not count toward it. Last evaluated 2024-12-20.

Conditions:
SERPINC1-related disorder. Also called: SERPINC1-related condition.
Hereditary antithrombin deficiency (AT3D). Also called: Antithrombin deficiency; Antithrombin III deficiency; Thrombophilia due to antithrombin III deficiency; Reduced antithrombin III activity. Identifiers: Orphanet 82, MedGen C0272375, MONDO:0013144, OMIM 613118, HP:0001976.

Allele frequency attached by ClinVar (database versions not stated): gnomAD exomes below 0.00001.
gnomAD v4.1: 4 of 1,614,200 alleles (0.00025%); highest among the groups gnomAD compares: Non-Finnish European, 0.00034%; no homozygotes.

Submissions (5):

Clingen Thrombosis Variant Curation Expert Panel, ClinGen
Classification: Likely pathogenic for Hereditary antithrombin deficiency. Last evaluated: 2024-12-20. Review status: reviewed by expert panel. Criteria: ClinGen ACMG Specifications SERPINC1 V1.0.0. Collection method: curation. Allele origin: germline. Inheritance: Autosomal dominant inheritance.
Comment: The c.1240G>A variant in SERPINC1 is a missense variant predicted to cause substitution of alanine by threonine at amino acid 414 (p.Ala414Thr). At least one patient with this variant displayed an antithrombin activity level of < 0.8 IU/mL on repeated independent samples, which is highly specific for hereditary antithrombin deficiency (PP4, PMID:36764659). This variant has been reported in 4 more probands meeting an antithrombin activity level of < 0.8 IU/mL on repeated independent tests or a family history of disease with reported antithrombin levels (PS4_Moderate, 3.5pts; PMID:25466846, 24684277, 3179438, 28300866). One proband did not meet the full requirements and thus half a point is awarded. The variant has been reported to segregate with hereditary antithrombin deficiency in at least 2 additional affected family members from one family (PP1; PMID:3179438). This variant resides within a residue, Ala414, of SERPINC1 that is defined as a reactive site residue by the ClinGen Thrombosis VCEP (PMID:2615648, PM1). The computational predictor REVEL gives a score of 0.85, which is above the threshold of 0.6, evidence that correlates with impact to SERPINC1 function (PP3). The highest population minor allele frequency in gnomAD v4.1.0 is 0.000003390 (4/1180010 alleles) in European (non-Finnish) population, which is lower than the ClinGen Thrombosis VCEP threshold (<0.00002) for PM2_Supporting, meeting this criterion (PM2_Supporting). In summary, this variant meets the criteria to be classified as likely pathogenic for autosomal dominant hereditary antithrombin deficiency based on the ACMG/AMP criteria applied, as specified by the ClinGen Thrombosis VCEP: PM1, PS4_moderate, PP1, PP3, PP4, PM2_supporting.

Labcorp Genetics (formerly Invitae), Labcorp
Classification: Pathogenic for Hereditary antithrombin deficiency. Last evaluated: 2025-11-27. Review status: criteria provided, single submitter. Criteria: Invitae Variant Classification Sherloc (09022015). Collection method: clinical testing. Allele origin: germline. Not counted in ClinVar's aggregate classification.
Comment: This sequence change replaces alanine, which is neutral and non-polar, with threonine, which is neutral and polar, at codon 414 of the SERPINC1 protein (p.Ala414Thr). This variant is not present in population databases (gnomAD no frequency). This missense change has been observed in individual(s) with antithrombin III deficiency (PMID: 2615648, 3179438, 24684277, 25466846, 28300866). It has also been observed to segregate with disease in related individuals. This variant is also known as Ala382>Thr. ClinVar contains an entry for this variant (Variation ID: 18020). Invitae Evidence Modeling of protein sequence and biophysical properties (such as structural, functional, and spatial information, amino acid conservation, physicochemical variation, residue mobility, and thermodynamic stability) indicates that this missense variant is expected to disrupt SERPINC1 protein function with a positive predictive value of 95%. For these reasons, this variant has been classified as Pathogenic.

Mayo Clinic Laboratories, Mayo Clinic
Classification: Pathogenic. Last evaluated: 2024-08-27. Review status: criteria provided, single submitter. Criteria: ACMG Guidelines, 2015. Collection method: clinical testing. Allele origin: germline. Observed: 1 variant allele. Not counted in ClinVar's aggregate classification.
Comment: PP1, PP3, PM1, PM2_moderate, PS4

Blueprint Genetics
Classification: Likely pathogenic for SERPINC1-related disorders. Last evaluated: 2021-10-05. Review status: criteria provided, single submitter. Criteria: ACMG Guidelines, 2015. Collection method: clinical testing. Allele origin: germline. Affected: yes. Observed: 1 variant allele. Not counted in ClinVar's aggregate classification.

OMIM
Classification: Pathogenic for THROMBOPHILIA DUE TO ANTITHROMBIN III DEFICIENCY. Last evaluated: 1996-01-01. Review status: no assertion criteria provided. Collection method: literature only. Allele origin: germline. Not counted in ClinVar's aggregate classification.

Literature cited by the submitters: PubMed 2615648 (cited by 3 submitters); PubMed 3179438 (cited by 3 submitters); PubMed 24684277 (cited by Labcorp Genetics (formerly Invitae), Labcorp and Mayo Clinic Laboratories, Mayo Clinic); PubMed 25466846 (cited by Labcorp Genetics (formerly Invitae), Labcorp and Mayo Clinic Laboratories, Mayo Clinic); PubMed 28300866 (cited by Labcorp Genetics (formerly Invitae), Labcorp and Mayo Clinic Laboratories, Mayo Clinic); PubMed 36764659 (cited by Mayo Clinic Laboratories, Mayo Clinic).